The following is an entry in ClinVar:

ClinVar aggregate classification (germline): Likely pathogenic (1 of 4 stars; one submission).

Conditions:
Abetalipoproteinaemia (ABL). Also called: Abetalipoproteinemia; Abetalipoproteinemia neuropathy; Apolipoprotein B deficiency; Congenital betalipoprotein deficiency syndrome; MTP DEFICIENCY. Identifiers: Orphanet 14, MedGen C0000744, MONDO:0008692, OMIM 200100, HP:0008181.

Submission:

Myriad Genetics, Inc.
Classification: Likely pathogenic for Abetalipoproteinaemia. Last evaluated: 2022-01-24. Review status: criteria provided, single submitter. Criteria: Myriad Women's Health Autosomal Recessive and X-Linked Classification Criteria (2021). Collection method: clinical testing. Allele origin: unknown.
Comment: NM_000253.2(MTTP):c.2183_2184delTG(V728Efs*32) is expected to be pathogenic in the context of abetalipoproteinemia. This variant is predicted to lead to an abnormal or absent protein product due to the creation of a premature termination codon in MTTP, a gene where loss-of-function variants are known to be pathogenic. Please note: this variant was assessed in the context of healthy population screening.

NM_001386140.1(MTTP):c.2183_2184del (p.Val728fs)

Gene: MTTP (microsomal triglyceride transfer protein; plus strand). Cytogenetic location: 4q23.
Variant type: Deletion.
Coding change: c.2183_2184del on transcript NM_001386140.1 (MANE Select); coding-DNA positions 2183 to 2184, 2 bases deleted (TG; older notation c.2183_2184delTG).
Protein change: p.Val728fs; shifts the reading frame from valine 728.
Molecular consequence: frameshift variant.
Genome position (GRCh38, 1-based): chr4:99,613,106-99,613,107, TG deleted; deleting any 2 consecutive bases within chr4:99,613,105-99,613,107 gives the same sequence; the c. name uses the placement nearest the transcript's 3' end. VCF-style (leftmost placement, unchanged base first): chr4-99613104-GGT-G. GRCh37 (hg19) VCF-style: chr4-100534261-GGT-G.
Other names: c.2183_2184del, p.Val728fs (NM_000253.4); c.1934_1935del, p.Val645fs (NM_001300785.2); short protein forms V645fs, V728fs.
Identifiers: ClinVar variation 1724073 (VCV001724073.2), dbSNP rs2476149431, ClinGen allele CA2580071926.